The following is an entry in ClinVar:

ClinVar aggregate classification (germline): Uncertain significance (1 of 4 stars; one submission).

Submission:

GeneDx
Classification: Uncertain significance. Last evaluated: 2025-01-07. Review status: criteria provided, single submitter. Criteria: GeneDx Variant Classification Process June 2021. Collection method: clinical testing. Allele origin: germline. Affected: yes.
Comment: Not observed at significant frequency in large population cohorts (gnomAD); In silico analysis indicates that this missense variant does not alter protein structure/function; Has not been previously published as pathogenic or benign to our knowledge

NM_001372123.1(IKZF5):c.455A>G (p.Asn152Ser)

Gene: IKZF5 (IKAROS family zinc finger 5; minus strand). Cytogenetic location: 10q26.13.
Variant type: single nucleotide variant.
Coding change: c.455A>G on transcript NM_001372123.1 (MANE Select); coding-DNA position 455, A replaced by G.
Protein change: p.Asn152Ser; replaces asparagine 152 with serine.
Molecular consequence: missense variant.
Genome position (GRCh38, 1-based): chr10:122,994,585, T>C on the plus strand (A>G on the coding strand, the complement: IKZF5 is on the minus strand). VCF-style: chr10-122994585-T-C. GRCh37 (hg19) VCF-style: chr10-124754101-T-C.
Other names: c.455A>G, p.Asn152Ser (NM_001271840.1, NM_001372125.1, NM_001372126.1 and 2 more transcripts); c.251A>G, p.Asn84Ser (NM_001372124.1, NM_001372129.1, NM_001372130.1 and 1 more transcripts); short protein forms N152S, N84S.
Identifiers: ClinVar variation 4056026 (VCV004056026.1).